The following is an entry in ClinVar:

ClinVar aggregate classification (germline): Likely pathogenic. Review status: criteria provided, multiple submitters, no conflicts (2 of 4 stars). 3 submissions from 3 submitters: Likely pathogenic (3). Last evaluated 2022-09-02.

Conditions:
Beta-D-mannosidosis (MANSB). Also called: Beta-Mannosidosis; MANNOSIDOSIS, BETA A, LYSOSOMAL; BETA-MANNOSIDASE DEFICIENCY; LYSOSOMAL BETA-MANNOSIDASE DEFICIENCY. Identifiers: Orphanet 118, MedGen C4048196, MONDO:0009562, OMIM 248510.

Submissions (4):

Victorian Clinical Genetics Services, Murdoch Childrens Research Institute
Classification: Likely pathogenic for Beta-D-mannosidosis. Last evaluated: 2022-09-02. Review status: criteria provided, single submitter. Criteria: ACMG Guidelines, 2015. Collection method: clinical testing. Allele origin: germline. Inheritance: Autosomal recessive inheritance. Affected: no.
Comment: Based on the classification scheme VCGS_Germline_v1.3.4, this variant is classified as Likely Pathogenic. Following criteria are met: 0102 - Loss of function is a known mechanism of disease in this gene and is associated with Beta-mannosidosis (MIM#248510). (I) 0106 - This gene is associated with autosomal recessive disease. (I) 0210 - Splice site variant proven to affect splicing of the transcript with a known effect on protein sequence. mRNA studies confirm that this variant induces aberrant splicing resulting in an in-frame skipping of exon 4 which removes 57 amino acids from the predicted glycoside hydrolase, family 2, N-terminal domain, p.(Ser127_Lys183del) (Splicing Diagnostics Kid's Neuroscience Centre). (SP) 0251 - This variant is heterozygous. (I) 0301 - Variant is absent from gnomAD (both v2 and v3). (SP) 0311 - An alternative nucleotide change at the same canonical splice site, is present in gnomAD at a frequency of 0.00000698 (v2 & v3: 2 heterozygotes, 0 homozygotes). (I) 0601 - Variant is located in a well-established functional region (exon 4), which is considered essential because it harbours critical protein interaction domains and a known disease causing variant is present in this exon (PMID: 16904924, 18565776, 22369051, 30552791). (SP) 0705 - No comparable splice variants have previous evidence for pathogenicity. (I) 0807 - This variant has no previous evidence of pathogenicity. This variant has been regarded as likely pathogenic in ClinVar by studies performed with this family's sample (PMID: 34906502). (I) 0905 - No published segregation evidence has been identified for this variant. (I) 1007 - No published functional evidence has been identified for this variant. (I) 1208 - Inheritance information for this variant is not currently available in this individual. (I) Legend: (SP) - Supporting pathogenic, (I) - Information, (SB) - Supporting benign

Fulgent Genetics
Classification: Likely pathogenic for Beta-D-mannosidosis. Last evaluated: 2021-07-18. Review status: criteria provided, single submitter. Criteria: ACMG Guidelines, 2015. Collection method: clinical testing. Allele origin: unknown.

Kids Neuroscience Centre, Sydney Children's Hospitals Network
Classification: Likely pathogenic for Beta-D-mannosidosis. Review status: criteria provided, single submitter. Criteria: Bournazos AM et al. (Genet Med 2021). Collection method: clinical testing. Allele origin: unknown. Inheritance: Autosomal recessive inheritance. Affected: no. Observed: 1 heterozygote.
Comment: Detected one abnormal splicing event, in-frame exon 4 skipping (r.379_549del). This event removes 57 amino acids from the predicted glycoside hydrolase, family 2, N-terminal domain (IPR006104), p.Ser127_Lys183del.

Dr. Peter K. Rogan Lab, Western University
No classification provided (evidence only). Condition: Ovarian serous cystadenocarcinoma. Review status: no classification provided. Collection method: in vitro. Allele origin: not applicable. Functional consequence: skipped exon, retained intron. Not counted in ClinVar's aggregate classification.

Literature cited by the submitters: PubMed 16904924 (cited by Victorian Clinical Genetics Services, Murdoch Childrens Research Institute); PubMed 18565776 (cited by Victorian Clinical Genetics Services, Murdoch Childrens Research Institute); PubMed 22369051 (cited by Victorian Clinical Genetics Services, Murdoch Childrens Research Institute); PubMed 30552791 (cited by Victorian Clinical Genetics Services, Murdoch Childrens Research Institute); PubMed 34906502 (cited by Victorian Clinical Genetics Services, Murdoch Childrens Research Institute).

NM_005908.4(MANBA):c.549+1G>A

Gene: MANBA (mannosidase beta; minus strand). Cytogenetic location: 4q24.
Variant type: single nucleotide variant.
Coding change: c.549+1G>A on transcript NM_005908.4 (MANE Select); the canonical splice donor site of the intron after coding-DNA position 549, G replaced by A.
Molecular consequence: splice donor variant.
Genome position (GRCh38, 1-based): chr4:102,722,870, C>T on the plus strand (G>A on the coding strand, the complement: MANBA is on the minus strand). VCF-style: chr4-102722870-C-T. GRCh37 (hg19) VCF-style: chr4-103644027-C-T.
Other names: NC_000004.11:g.103644027C>T.
Identifiers: ClinVar variation 1064618 (VCV001064618.6), dbSNP rs1334537145, ClinGen allele CA357957834.
Genomic context (GRCh38, chr4:102,722,870, plus strand): 5'-TTCATATGCCAGCACACCCCGTCCTCAAAAATAAAACCCGACCTGTTTGAGAGACCATTA[C>T]CTTCCGAACAAAGTTGACATGGCATTCACCCTTCTGCACAAGTGGAGGGCAGTCTGGGGG-3'